The following is an entry in ClinVar:

ClinVar aggregate classification (germline): Pathogenic (1 of 4 stars; one submission).

Submission:

Labcorp Genetics (formerly Invitae), Labcorp
Classification: Pathogenic. Last evaluated: 2023-07-24. Review status: criteria provided, single submitter. Criteria: Invitae Variant Classification Sherloc (09022015). Collection method: clinical testing. Allele origin: germline.
Comment: This sequence change creates a premature translational stop signal (p.Gly567Lysfs*3) in the ITGB4 gene. It is expected to result in an absent or disrupted protein product. Loss-of-function variants in ITGB4 are known to be pathogenic (PMID: 11328943, 16473856). This variant is present in population databases (no rsID available, gnomAD 0.0009%). This variant has not been reported in the literature in individuals affected with ITGB4-related conditions. For these reasons, this variant has been classified as Pathogenic.

Literature cited by the submitters: PubMed 11328943; PubMed 16473856.

NM_000213.5(ITGB4):c.1698_1711del (p.Gly567fs)

Gene: ITGB4 (integrin subunit beta 4; plus strand). Cytogenetic location: 17q25.1.
Variant type: Deletion.
Coding change: c.1698_1711del on transcript NM_000213.5 (MANE Select); coding-DNA positions 1698 to 1711, 14 bases deleted (TGGTTGGACAGGCC).
Protein change: p.Gly567fs; shifts the reading frame from glycine 567.
Molecular consequence: frameshift variant.
Genome position (GRCh38, 1-based): chr17:75,736,091-75,736,104, TGGTTGGACAGGCC deleted; deleting any 14 consecutive bases within chr17:75,736,088-75,736,104 gives the same sequence; the c. name uses the placement nearest the transcript's 3' end. VCF-style (leftmost placement, unchanged base first): chr17-75736087-AGCCTGGTTGGACAG-A. GRCh37 (hg19) VCF-style: chr17-73732168-AGCCTGGTTGGACAG-A.
Other names: c.1698_1711delTGGTTGGACAGGCC, p.Gly567Lysfs (NM_001005619.2); c.1698_1711del, p.Gly567fs (NM_001005731.3, NM_001321123.2); short protein forms G567fs.
Identifiers: ClinVar variation 2838993 (VCV002838993.3), dbSNP rs1319550069, ClinGen allele CA501833840.